The following is an entry in ClinVar:

ClinVar aggregate classification (germline): Conflicting classifications of pathogenicity. Review status: criteria provided, conflicting classifications (1 of 4 stars). 3 submissions from 3 submitters: Uncertain significance (1); Likely benign (2). Last evaluated 2026-01-24.

Allele frequency attached by ClinVar (database versions not stated): gnomAD exomes 0.00008; gnomAD 0.00013; TOPMed 0.00026; ExAC 0.00038; 1000 Genomes Project 30x 0.00156; 1000 Genomes Project 0.00160.
gnomAD v4.1: 140 of 1,612,706 alleles (0.0087%); highest among the groups gnomAD compares: East Asian, 0.3%; 1 homozygote.

Submissions (4):

Labcorp Genetics (formerly Invitae), Labcorp
Classification: Likely benign. Last evaluated: 2026-01-24. Review status: criteria provided, single submitter. Criteria: Invitae Variant Classification Sherloc (09022015). Collection method: clinical testing. Allele origin: germline.

CeGaT Center for Human Genetics Tuebingen
Classification: Likely benign. Last evaluated: 2025-10-01. Review status: criteria provided, single submitter. Criteria: CeGaT Center For Human Genetics Tuebingen Variant Classification Criteria Version 2. Collection method: clinical testing. Allele origin: germline. Affected: yes. Observed: 1 variant allele.
Comment: NUP205: BP4

Blueprint Genetics
Classification: Uncertain significance. Last evaluated: 2024-11-15. Review status: criteria provided, single submitter. Criteria: ACMG Guidelines, 2015. Collection method: clinical testing. Allele origin: germline.

Dr. Peter K. Rogan Lab, Western University
No classification provided (evidence only). Condition: Hepatocellular carcinoma. Review status: no classification provided. Collection method: in vitro. Allele origin: not applicable. Functional consequence: retained intron. Not counted in ClinVar's aggregate classification.

NM_015135.3(NUP205):c.4799T>A (p.Phe1600Tyr)

Gene: NUP205 (nucleoporin 205; plus strand). Cytogenetic location: 7q33.
Variant type: single nucleotide variant.
Coding change: c.4799T>A on transcript NM_015135.3 (MANE Select); coding-DNA position 4799, T replaced by A.
Protein change: p.Phe1600Tyr; replaces phenylalanine 1600 with tyrosine.
Molecular consequence: missense variant.
Genome position (GRCh38, 1-based): chr7:135,627,978, T>A. VCF-style: chr7-135627978-T-A. GRCh37 (hg19) VCF-style: chr7-135312726-T-A.
Other names: c.3725T>A, p.Phe1242Tyr (NM_001329434.2); short protein forms F1600Y, F1242Y.
Identifiers: ClinVar variation 2765190 (VCV002765190.11), dbSNP rs186754456, ClinGen allele CA4498988.
Genomic context (GRCh38, chr7:135,627,978, plus strand): 5'-GCCGAGAGTATACCTTAATTCTTGGAATGTTTTCTCCTTGTTTGGTTGAAATAAGCATGT[T>A]TGGCATGAGAGACCCTCCAATGTTCATCCCTACCCCAGTGGATCGCTACCGCCAGATTCT-3'
Protein context (NP_055950.2, residues 1590-1610): MRPETDPQSM[Phe1600Tyr]GMRDPPMFIP